The following is an entry in ClinVar:

ClinVar aggregate classification (germline): Likely benign (0 of 4 stars; one submission).

Conditions:
OTUD1-related disorder. Also called: OTUD1-related condition.

Allele frequency attached by ClinVar (database versions not stated): 1000 Genomes Project 30x 0.00234; TOPMed 0.00254; 1000 Genomes Project 0.00260; gnomAD 0.00292; gnomAD exomes 0.00473; ExAC 0.01839.

Submission:

PreventionGenetics, part of Exact Sciences
Classification: Likely benign for OTUD1-related condition. Last evaluated: 2019-03-04. Review status: no assertion criteria provided. Collection method: clinical testing. Allele origin: germline.
Comment: This variant is classified as likely benign based on ACMG/AMP sequence variant interpretation guidelines (Richards et al. 2015 PMID: 25741868, with internal and published modifications).

NM_001145373.3(OTUD1):c.604C>T (p.Leu202=)

Genes: OTUD1 (OTU deubiquitinase 1; plus strand), LOC130003514 (ATAC-STARR-seq lymphoblastoid silent region 2219; plus strand). Cytogenetic location: 10p12.2.
Variant type: single nucleotide variant.
Coding change: c.604C>T on transcript NM_001145373.3 (MANE Select); coding-DNA position 604, C replaced by T.
Protein change: p.Leu202=; no amino-acid change (leucine 202 retained).
Molecular consequence: synonymous variant.
Genome position (GRCh38, 1-based): chr10:23,440,061, C>T. VCF-style: chr10-23440061-C-T. GRCh37 (hg19) VCF-style: chr10-23728990-C-T.
Identifiers: ClinVar variation 3043771 (VCV003043771.2), dbSNP rs574869227, ClinGen allele CA5438962.